The following is an entry in ClinVar:

ClinVar aggregate classification (germline): Likely benign (0 of 4 stars; one submission).

Conditions:
POLR3A-related disorder. Also called: POLR3A-related disorders; POLR3A-related condition. Identifiers: MedGen CN378587, MONDO:0700276.

Allele frequency attached by ClinVar (database versions not stated): TOPMed below 0.00001.

Submission:

PreventionGenetics, part of Exact Sciences
Classification: Likely benign for POLR3A-related condition. Last evaluated: 2022-04-11. Review status: no assertion criteria provided. Collection method: clinical testing. Allele origin: germline.
Comment: This variant is classified as likely benign based on ACMG/AMP sequence variant interpretation guidelines (Richards et al. 2015 PMID: 25741868, with internal and published modifications).

NM_007055.4(POLR3A):c.4083G>A (p.Lys1361=)

Gene: POLR3A (RNA polymerase III subunit A; minus strand). Cytogenetic location: 10q22.3.
Variant type: single nucleotide variant.
Coding change: c.4083G>A on transcript NM_007055.4 (MANE Select); coding-DNA position 4083, G replaced by A.
Protein change: p.Lys1361=; no amino-acid change (lysine 1361 retained).
Molecular consequence: synonymous variant.
Genome position (GRCh38, 1-based): chr10:77,977,568, C>T on the plus strand (G>A on the coding strand, the complement: POLR3A is on the minus strand). VCF-style: chr10-77977568-C-T. GRCh37 (hg19) VCF-style: chr10-79737326-C-T.
Identifiers: ClinVar variation 3045049 (VCV003045049.2), dbSNP rs1847101523, ClinGen allele CA470390302.